The following is an entry in ClinVar:

ClinVar aggregate classification (germline): Conflicting classifications of pathogenicity. Review status: criteria provided, conflicting classifications (1 of 4 stars). 3 submissions from 3 submitters: Likely pathogenic (1); Uncertain significance (2). Last evaluated 2025-05-21.

Conditions:
Hypogonadotropic hypogonadism 3 with or without anosmia (HH3). Also called: PROKR2-Related GnRH Deficiency (Kallmann Syndrome 3); HYPOGONADOTROPIC HYPOGONADISM 3 WITH ANOSMIA. Identifiers: Orphanet 478, MedGen C3550478, MONDO:0009482, OMIM 244200.

Allele frequency attached by ClinVar (database versions not stated): gnomAD exomes below 0.00001; TOPMed below 0.00001.
gnomAD v4.1: 2 of 1,614,178 alleles (0.00012%); highest among the groups gnomAD compares: East Asian, 0.0022%; no homozygotes.

Submissions (3):

Labcorp Genetics (formerly Invitae), Labcorp
Classification: Uncertain significance. Last evaluated: 2025-05-21. Review status: criteria provided, single submitter. Criteria: Invitae Variant Classification Sherloc (09022015). Collection method: clinical testing. Allele origin: germline.
Comment: This sequence change replaces glycine, which is neutral and non-polar, with arginine, which is basic and polar, at codon 229 of the PROKR2 protein (p.Gly229Arg). This variant is not present in population databases (gnomAD no frequency). This missense change has been observed in individuals with congenital hypogonadotropic hypogonadism and/or clinical features of Kallmann's syndrome (PMID: 26141714, 33983622, 37605180; internal data). ClinVar contains an entry for this variant (Variation ID: 816917). Invitae Evidence Modeling of protein sequence and biophysical properties (such as structural, functional, and spatial information, amino acid conservation, physicochemical variation, residue mobility, and thermodynamic stability) indicates that this missense variant is not expected to disrupt PROKR2 protein function with a negative predictive value of 80%. Experimental studies have shown that this missense change affects PROKR2 function (PMID: 30576231). In summary, the available evidence is currently insufficient to determine the role of this variant in disease. Therefore, it has been classified as a Variant of Uncertain Significance.

Fulgent Genetics
Classification: Uncertain significance for Hypogonadotropic hypogonadism 3 with or without anosmia. Last evaluated: 2024-04-11. Review status: criteria provided, single submitter. Criteria: ACMG Guidelines, 2015. Collection method: clinical testing. Allele origin: germline.

Genomic Medicine Lab, University of California San Francisco
Classification: Likely pathogenic for Hypogonadotropic hypogonadism 3 with or without anosmia. Last evaluated: 2018-11-29. Review status: criteria provided, single submitter. Criteria: ACMG Guidelines, 2015. Collection method: clinical testing. Allele origin: maternal. Inheritance: Autosomal dominant inheritance. Affected: yes. Study: CSER.

Literature cited by the submitters: PubMed 26141714 (cited by Labcorp Genetics (formerly Invitae), Labcorp); PubMed 33983622 (cited by Labcorp Genetics (formerly Invitae), Labcorp); PubMed 37605180 (cited by Labcorp Genetics (formerly Invitae), Labcorp); PubMed 30576231 (cited by Labcorp Genetics (formerly Invitae), Labcorp).

NM_144773.4(PROKR2):c.685G>C (p.Gly229Arg)

Gene: PROKR2 (prokineticin receptor 2; minus strand). Cytogenetic location: 20p12.3.
Variant type: single nucleotide variant.
Coding change: c.685G>C on transcript NM_144773.4 (MANE Select); coding-DNA position 685, G replaced by C.
Protein change: p.Gly229Arg; replaces glycine 229 with arginine.
Molecular consequence: missense variant.
Genome position (GRCh38, 1-based): chr20:5,302,510, C>G on the plus strand (G>C on the coding strand, the complement: PROKR2 is on the minus strand). VCF-style: chr20-5302510-C-G. GRCh37 (hg19) VCF-style: chr20-5283156-C-G.
Other names: short protein forms G229R.
Identifiers: ClinVar variation 816917 (VCV000816917.4), dbSNP rs1600577387, ClinGen allele CA408167147.